The following is an entry in ClinVar:

ClinVar aggregate classification (germline): Uncertain significance (1 of 4 stars; one submission).

Conditions:
Epidermolysis bullosa simplex with nail dystrophy (EBS5D). Identifiers: MedGen C4225309, MONDO:0014661, OMIM 616487.
Epidermolysis bullosa simplex, Ogna type (EBS5A). Also called: EPIDERMOLYSIS BULLOSA SIMPLEX 5A, OGNA TYPE; Pidermolysis bullosa simplex 5A, Ogna type. Identifiers: Orphanet 79401, MedGen C0432317, MONDO:0007555, OMIM 131950.
Autosomal recessive limb-girdle muscular dystrophy type 2Q (LGMDR17). Also called: MUSCULAR DYSTROPHY, LIMB-GIRDLE, AUTOSOMAL RECESSIVE 17. Identifiers: Orphanet 254361, MedGen C3150989, MONDO:0013390, OMIM 613723.
Epidermolysis bullosa simplex 5B, with muscular dystrophy (EBS5B). Also called: EPIDERMOLYSIS BULLOSA SIMPLEX AND LIMB-GIRDLE MUSCULAR DYSTROPHY; Epidermolysis bullosa simplex with muscular dystrophy. Identifiers: Orphanet 257, MedGen C2931072, MONDO:0009181, OMIM 226670.
Epidermolysis bullosa simplex 5C, with pyloric atresia (EBS5C). Also called: PLEC-Related Epidermolysis Bullosa with Pyloric Atresia; Epidermolysis bullosa simplex with pyloric atresia; PLEC1-Related Epidermolysis Bullosa with Pyloric Atresia. Identifiers: Orphanet 158684, MedGen C2677349, MONDO:0012807, OMIM 612138.

Submission:

Labcorp Genetics (formerly Invitae), Labcorp
Classification: Uncertain significance for Autosomal recessive limb-girdle muscular dystrophy type 2Q; Epidermolysis bullosa simplex, Ogna type; Epidermolysis bullosa simplex with nail dystrophy; Epidermolysis bullosa simplex 5C, with pyloric atresia; Epidermolysis bullosa simplex 5B, with muscular dystrophy. Last evaluated: 2025-12-17. Review status: criteria provided, single submitter. Criteria: Invitae Variant Classification Sherloc (09022015). Collection method: clinical testing. Allele origin: germline.
Comment: This sequence change replaces leucine, which is neutral and non-polar, with proline, which is neutral and non-polar, at codon 3570 of the PLEC protein (p.Leu3570Pro). This variant is not present in population databases (gnomAD no frequency). This variant has not been reported in the literature in individuals affected with PLEC-related conditions. An algorithm developed to predict the effect of missense changes on protein structure and function (PolyPhen-2) suggests that this variant is likely to be disruptive. In summary, the available evidence is currently insufficient to determine the role of this variant in disease. Therefore, it has been classified as a Variant of Uncertain Significance.

NM_201384.3(PLEC):c.10628T>C (p.Leu3543Pro)

Gene: PLEC (plectin; minus strand). Cytogenetic location: 8q24.3.
Variant type: single nucleotide variant.
Coding change: c.10628T>C on transcript NM_201384.3 (MANE Select); coding-DNA position 10628, T replaced by C.
Protein change: p.Leu3543Pro; replaces leucine 3543 with proline.
Molecular consequence: missense variant.
Genome position (GRCh38, 1-based): chr8:143,919,193, A>G on the plus strand (T>C on the coding strand, the complement: PLEC is on the minus strand). VCF-style: chr8-143919193-A-G. GRCh37 (hg19) VCF-style: chr8-144993361-A-G.
Other names: c.10709T>C, p.Leu3570Pro (NM_000445.5); c.7328T>C, p.Leu2443Pro (NM_001410941.1); c.10586T>C, p.Leu3529Pro (NM_201378.4); c.10562T>C, p.Leu3521Pro (NM_201379.3); c.11039T>C, p.Leu3680Pro (NM_201380.4); c.10532T>C, p.Leu3511Pro (NM_201381.3); c.10628T>C, p.Leu3543Pro (NM_201382.4); c.10640T>C, p.Leu3547Pro (NM_201383.3); short protein forms L3511P, L3521P, L3547P, L3570P, L3529P, L3680P, L2443P, L3543P.
Identifiers: ClinVar variation 4792614 (VCV004792614.1).